The following is an entry in ClinVar:

ClinVar aggregate classification (germline): Uncertain significance (1 of 4 stars; one submission).

Submission:

Labcorp Genetics (formerly Invitae), Labcorp
Classification: Uncertain significance. Last evaluated: 2022-07-15. Review status: criteria provided, single submitter. Criteria: Invitae Variant Classification Sherloc (09022015). Collection method: clinical testing. Allele origin: germline.
Comment: This variant has not been reported in the literature in individuals affected with POLR3F-related conditions. In summary, the available evidence is currently insufficient to determine the role of this variant in disease. Therefore, it has been classified as a Variant of Uncertain Significance. Algorithms developed to predict the effect of missense changes on protein structure and function are either unavailable or do not agree on the potential impact of this missense change (SIFT: "Tolerated"; PolyPhen-2: "Not Available"; Align-GVGD: "Class C0"). This variant is not present in population databases (gnomAD no frequency). This sequence change replaces serine, which is neutral and polar, with arginine, which is basic and polar, at codon 185 of the POLR3F protein (p.Ser185Arg).

NM_006466.4(POLR3F):c.676A>C (p.Ser226Arg)

Gene: POLR3F (RNA polymerase III subunit F; plus strand). Cytogenetic location: 20p11.23.
Variant type: single nucleotide variant.
Coding change: c.676A>C on transcript NM_006466.4 (MANE Select); coding-DNA position 676, A replaced by C.
Protein change: p.Ser226Arg; replaces serine 226 with arginine.
Molecular consequence: missense variant. On other transcripts: non-coding transcript variant (1).
Genome position (GRCh38, 1-based): chr20:18,480,504, A>C. VCF-style: chr20-18480504-A-C. GRCh37 (hg19) VCF-style: chr20-18461148-A-C.
Other names: c.553A>C, p.Ser185Arg (NM_001282526.2); c.532A>C, p.Ser178Arg (NM_001410821.1); short protein forms S178R, S185R, S226R.
Identifiers: ClinVar variation 2017549 (VCV002017549.4), dbSNP rs2517426027, ClinGen allele CA408352790.
Genomic context (GRCh38, chr20:18,480,504, plus strand): 5'-AGAAATAGTTCATTTGCCTCATCACATGAAGTGTGGAAATATATCTGCGAATTGGGAATC[A>C]GTAAGGTCAGAACTGAATTTCATCTTATTTTTTAAAACTTATTCTTTGTCACATACAATG-3'
Protein context (NP_006457.2, residues 216-236): VWKYICELGI[Ser226Arg]KVELSMEDIE